The following is an entry in ClinVar:

ClinVar aggregate classification (germline): Uncertain significance (1 of 4 stars; one submission).

Allele frequency attached by ClinVar (database versions not stated): TOPMed below 0.00001.

Submission:

Labcorp Genetics (formerly Invitae), Labcorp
Classification: Uncertain significance. Last evaluated: 2023-04-24. Review status: criteria provided, single submitter. Criteria: Invitae Variant Classification Sherloc (09022015). Collection method: clinical testing. Allele origin: germline.
Comment: In summary, the available evidence is currently insufficient to determine the role of this variant in disease. Therefore, it has been classified as a Variant of Uncertain Significance. Advanced modeling of protein sequence and biophysical properties (such as structural, functional, and spatial information, amino acid conservation, physicochemical variation, residue mobility, and thermodynamic stability) has been performed at Invitae for this missense variant, however the output from this modeling did not meet the statistical confidence thresholds required to predict the impact of this variant on EYS protein function. ClinVar contains an entry for this variant (Variation ID: 1379318). This variant has not been reported in the literature in individuals affected with EYS-related conditions. This variant is not present in population databases (gnomAD no frequency). This sequence change replaces proline, which is neutral and non-polar, with leucine, which is neutral and non-polar, at codon 817 of the EYS protein (p.Pro817Leu).

NM_001142800.2(EYS):c.2450C>T (p.Pro817Leu)

Gene: EYS (EGF-like photoreceptor maintenance factor; minus strand). Cytogenetic location: 6q12.
Variant type: single nucleotide variant.
Coding change: c.2450C>T on transcript NM_001142800.2 (MANE Select); coding-DNA position 2450, C replaced by T.
Protein change: p.Pro817Leu; replaces proline 817 with leucine.
Molecular consequence: missense variant.
Genome position (GRCh38, 1-based): chr6:64,912,675, G>A on the plus strand (C>T on the coding strand, the complement: EYS is on the minus strand). VCF-style: chr6-64912675-G-A. GRCh37 (hg19) VCF-style: chr6-65622568-G-A.
Other names: c.2450C>T, p.Pro817Leu (NM_001292009.2); short protein forms P817L.
Identifiers: ClinVar variation 1379318 (VCV001379318.8), dbSNP rs1468227595, ClinGen allele CA364786490.